The following is an entry in ClinVar:

NM_003482.4(KMT2D):c.1468_1471del (p.Glu490fs)

Gene: KMT2D (lysine methyltransferase 2D; minus strand). Cytogenetic location: 12q13.12.
Variant type: Deletion.
Coding change: c.1468_1471del on transcript NM_003482.4 (MANE Select); coding-DNA positions 1468 to 1471, 4 bases deleted (GAGG; older notation c.1468_1471delGAGG).
Protein change: p.Glu490fs; shifts the reading frame from glutamic acid 490.
Molecular consequence: frameshift variant.
Genome position (GRCh38, 1-based): chr12:49,052,212-49,052,215, CCTC deleted on the plus strand (GAGG on the coding strand, the reverse complement: KMT2D is on the minus strand); deleting any 4 consecutive bases within chr12:49,052,212-49,052,216 gives the same sequence; the c. name uses the placement nearest the transcript's 3' end. VCF-style (leftmost placement, unchanged base first): chr12-49052211-TCCTC-T. GRCh37 (hg19) VCF-style: chr12-49445994-TCCTC-T.
Other names: short protein forms E490fs.
Identifiers: ClinVar variation 649945 (VCV000649945.2), dbSNP rs1592157505, ClinGen allele CA915948538.
Genomic context (GRCh38, chr12:49,052,211, plus strand): 5'-GGTGATGATTCAGGTGGGGGAGACAGAGGAGACTCCTCAGGCGGCGGAGAGAGGGGCGAT[TCCTC>T]CAGCGGCCGGGACAGGTGCAATGCCTCAGGAAGTGGGGATGCGGGCAATTCCTCAGGTGG-3'

ClinVar aggregate classification (germline): Pathogenic (1 of 4 stars; one submission).

Conditions:
Kabuki syndrome. Also called: Kabuki make-up syndrome; NIIKAWA-KUROKI SYNDROME. Identifiers: Orphanet 2322, MedGen C0796004, MONDO:0016512.

Submission:

Labcorp Genetics (formerly Invitae), Labcorp
Classification: Pathogenic for Kabuki syndrome. Last evaluated: 2018-12-17. Review status: criteria provided, single submitter. Criteria: Invitae Variant Classification Sherloc (09022015). Collection method: clinical testing. Allele origin: germline.
Comment: This sequence change creates a premature translational stop signal (p.Glu490Asnfs*439) in the KMT2D gene. It is expected to result in an absent or disrupted protein product. This variant is not present in population databases (ExAC no frequency). This variant has not been reported in the literature in individuals with KMT2D-related conditions. Loss-of-function variants in KMT2D are known to be pathogenic (PMID: 22126750). For these reasons, this variant has been classified as Pathogenic.

Literature cited by the submitters: PubMed 22126750.